The following is an entry in ClinVar:

NM_033380.3(COL4A5):c.164T>G (p.Leu55Trp)

Gene: COL4A5 (collagen type IV alpha 5 chain; plus strand). Cytogenetic location: Xq22.3.
Variant type: single nucleotide variant.
Coding change: c.164T>G on transcript NM_033380.3 (MANE Select); coding-DNA position 164, T replaced by G.
Protein change: p.Leu55Trp; replaces leucine 55 with tryptophan.
Molecular consequence: missense variant.
Genome position (GRCh38, 1-based): chrX:108,559,086, T>G. VCF-style: chrX-108559086-T-G. GRCh37 (hg19) VCF-style: chrX-107802316-T-G.
Other names: c.164T>G, p.Leu55Trp (NM_000495.5); c.164T>G (NM_033380.1); short protein forms L55W.
Identifiers: ClinVar variation 1433810 (VCV001433810.8), dbSNP rs779142914, ClinGen allele CA10488376.

ClinVar aggregate classification (germline): Uncertain significance. Review status: criteria provided, multiple submitters, no conflicts (2 of 4 stars). 2 submissions from 2 submitters: Uncertain significance (2). Last evaluated 2025-05-02.

Allele frequency attached by ClinVar (database versions not stated): gnomAD exomes below 0.00001 and 0.00001; ExAC 0.00001; TOPMed 0.00004.
gnomAD v4.1: 2 of 1,210,741 alleles (0.00017%); highest among the groups gnomAD compares: Admixed American, 0.0043%; no homozygotes.

Submissions (2):

GeneDx
Classification: Uncertain significance. Last evaluated: 2025-05-02. Review status: criteria provided, single submitter. Criteria: GeneDx Variant Classification Process June 2021. Collection method: clinical testing. Allele origin: germline. Affected: yes.
Comment: In silico analysis supports that this missense variant has a deleterious effect on protein structure/function; Occurs in the triple helical domain at the X position in the canonical Gly-X-Y repeat; although this variant may have an effect on normal protein folding and function, missense substitution at the X position is not a common mechanism of disease; Has not been previously published as pathogenic or benign to our knowledge

Labcorp Genetics (formerly Invitae), Labcorp
Classification: Uncertain significance. Last evaluated: 2025-01-06. Review status: criteria provided, single submitter. Criteria: Invitae Variant Classification Sherloc (09022015). Collection method: clinical testing. Allele origin: germline.
Comment: This sequence change replaces leucine, which is neutral and non-polar, with tryptophan, which is neutral and slightly polar, at codon 55 of the COL4A5 protein (p.Leu55Trp). This variant is present in population databases (rs779142914, gnomAD 0.004%). This variant has not been reported in the literature in individuals affected with COL4A5-related conditions. ClinVar contains an entry for this variant (Variation ID: 1433810). Invitae Evidence Modeling of protein sequence and biophysical properties (such as structural, functional, and spatial information, amino acid conservation, physicochemical variation, residue mobility, and thermodynamic stability) has been performed for this missense variant. However, the output from this modeling did not meet the statistical confidence thresholds required to predict the impact of this variant on COL4A5 protein function. In summary, the available evidence is currently insufficient to determine the role of this variant in disease. Therefore, it has been classified as a Variant of Uncertain Significance.